The following is an entry in ClinVar:

NM_004609.4(TCF15):c.255T>G (p.Thr85=)

Gene: TCF15 (transcription factor 15; minus strand). Cytogenetic location: 20p13.
Variant type: single nucleotide variant.
Coding change: c.255T>G on transcript NM_004609.4 (MANE Select); coding-DNA position 255, T replaced by G.
Protein change: p.Thr85=; no amino-acid change (threonine 85 retained).
Molecular consequence: synonymous variant.
Genome position (GRCh38, 1-based): chr20:609,983, A>C on the plus strand (T>G on the coding strand, the complement: TCF15 is on the minus strand). VCF-style: chr20-609983-A-C. GRCh37 (hg19) VCF-style: chr20-590627-A-C.
Identifiers: ClinVar variation 4872298 (VCV004872298.2).

ClinVar aggregate classification (germline): Likely benign (1 of 4 stars; one submission).

Submission:

CeGaT Center for Human Genetics Tuebingen
Classification: Likely benign. Last evaluated: 2026-05-01. Review status: criteria provided, single submitter. Criteria: CeGaT Center For Human Genetics Tuebingen Variant Classification Criteria Version 2. Collection method: clinical testing. Allele origin: germline. Affected: yes. Observed: 1 variant allele.
Comment: TCF15: PM2:Supporting, BP4, BP7